The following is an entry in ClinVar:

NM_000051.4(ATM):c.861T>C (p.Ile287=)

Gene: ATM (ATM serine/threonine kinase; plus strand). Cytogenetic location: 11q22.3.
Variant type: single nucleotide variant.
Coding change: c.861T>C on transcript NM_000051.4 (MANE Select); coding-DNA position 861, T replaced by C.
Protein change: p.Ile287=; no amino-acid change (isoleucine 287 retained).
Molecular consequence: synonymous variant.
Genome position (GRCh38, 1-based): chr11:108,244,986, T>C. VCF-style: chr11-108244986-T-C. GRCh37 (hg19) VCF-style: chr11-108115713-T-C.
Other names: c.861T>C, p.Ile287= (NM_001351834.2); c.861T>C (NM_000051.2).
Identifiers: ClinVar variation 231408 (VCV000231408.20), dbSNP rs55849405, ClinGen allele CA6264687.

ClinVar aggregate classification (germline): Benign/Likely benign. Review status: criteria provided, multiple submitters, no conflicts (2 of 4 stars). 6 submissions from 6 submitters: Benign (2); Likely benign (3). 1 of the submissions does not count toward it. Last evaluated 2026-01-18.

Conditions:
Familial colorectal cancer type X. Identifiers: Orphanet 440437, MedGen C3896578, MONDO:0018604.
ATM-related disorder. Also called: ATM-related disorders; ATM-related condition.
Hereditary cancer-predisposing syndrome. Also called: Hereditary Cancer Syndrome; Neoplastic Syndromes, Hereditary; Tumor predisposition; Hereditary neoplastic syndrome. Identifiers: Orphanet 140162, MedGen C0027672, MeSH D009386, MONDO:0015356.
Familial cancer of breast. Also called: Hereditary breast cancer; hereditary breast carcinoma; BREAST CANCER, FAMILIAL. Identifiers: Orphanet 227535, MedGen C0346153, MONDO:0016419, OMIM 114480. Disease mechanism: loss of function.
Ataxia-telangiectasia syndrome (AT). Also called: Ataxia telangiectasia (A-T); Ataxia-telangiectasia, complementation group E; LOUIS-BAR SYNDROME; Cerebello-oculocutaneous telangiectasia; Immunodeficiency with ataxia telangiectasia; Ataxia-telangiectasia, complementation group D. Identifiers: Orphanet 100, MedGen C0004135, MONDO:0008840, OMIM 208900.

Allele frequency attached by ClinVar (database versions not stated): gnomAD exomes below 0.00001 and 0.00001; gnomAD 0.00003 and 0.00005; ExAC 0.00002; TOPMed 0.00006; ESP Exome Variant Server 0.00023.
gnomAD v4.1: 10 of 1,612,246 alleles (0.00062%); highest among the groups gnomAD compares: African/African-American, 0.0093%; no homozygotes.

Submissions (6):

Labcorp Genetics (formerly Invitae), Labcorp
Classification: Likely benign for Ataxia-telangiectasia syndrome. Last evaluated: 2026-01-18. Review status: criteria provided, single submitter. Criteria: Invitae Variant Classification Sherloc (09022015). Collection method: clinical testing. Allele origin: germline.

Myriad Genetics, Inc.
Classification: Benign for Familial cancer of breast. Last evaluated: 2024-04-23. Review status: criteria provided, single submitter. Criteria: Myriad Autosomal Dominant, Autosomal Recessive and X-Linked Classification Criteria (2023). Collection method: clinical testing. Allele origin: unknown.
Comment: This variant is considered benign. This variant is a silent/synonymous amino acid change and it is not expected to impact splicing.

Department of Pathology and Laboratory Medicine, Sinai Health System
Classification: Likely benign for Familial colorectal cancer type X. Last evaluated: 2022-05-30. Review status: criteria provided, single submitter. Criteria: ACMG Guidelines, 2015. Collection method: clinical testing. Allele origin: germline. Affected: yes.

GeneDx
Classification: Benign. Last evaluated: 2015-09-03. Review status: criteria provided, single submitter. Criteria: GeneDx Variant Classification (06012015). Collection method: clinical testing. Allele origin: germline. Affected: yes.
Comment: This variant is considered likely benign or benign based on one or more of the following criteria: it is a conservative change, it occurs at a poorly conserved position in the protein, it is predicted to be benign by multiple in silico algorithms, and/or has population frequency not consistent with disease.

Ambry Genetics
Classification: Likely benign for Hereditary cancer-predisposing syndrome. Last evaluated: 2015-04-24. Review status: criteria provided, single submitter. Criteria: Ambry Variant Classification Scheme 2023. Collection method: clinical testing. Allele origin: germline.

PreventionGenetics, part of Exact Sciences
Classification: Likely benign for ATM-related condition. Last evaluated: 2022-05-17. Review status: no assertion criteria provided. Collection method: clinical testing. Allele origin: germline. Not counted in ClinVar's aggregate classification.
Comment: This variant is classified as likely benign based on ACMG/AMP sequence variant interpretation guidelines (Richards et al. 2015 PMID: 25741868, with internal and published modifications).